The following is an entry in ClinVar:

NM_000051.4(ATM):c.5637_5638del (p.Gln1879fs)

Gene: ATM (ATM serine/threonine kinase; plus strand). Cytogenetic location: 11q22.3.
Variant type: Deletion.
Coding change: c.5637_5638del on transcript NM_000051.4 (MANE Select); coding-DNA positions 5637 to 5638, 2 bases deleted (AA; older notation c.5637_5638delAA).
Protein change: p.Gln1879fs; shifts the reading frame from glutamine 1879.
Molecular consequence: frameshift variant.
Genome position (GRCh38, 1-based): chr11:108,304,815-108,304,816, AA deleted; deleting any 2 consecutive bases within chr11:108,304,814-108,304,816 gives the same sequence; the c. name uses the placement nearest the transcript's 3' end. VCF-style (leftmost placement, unchanged base first): chr11-108304813-CAA-C. GRCh37 (hg19) VCF-style: chr11-108175540-CAA-C.
Other names: c.5637_5638del, p.Gln1879fs (NM_001351834.2); short protein forms Q1879fs.
Identifiers: ClinVar variation 2693266 (VCV002693266.3), dbSNP rs2546988228, ClinGen allele CA2697558857.

ClinVar aggregate classification (germline): Pathogenic (1 of 4 stars; one submission).

Conditions:
Ataxia-telangiectasia syndrome (AT). Also called: AT, COMPLEMENTATION GROUP C; Ataxia telangiectasia (A-T); Cerebello-oculocutaneous telangiectasia; Immunodeficiency with ataxia telangiectasia; LOUIS-BAR SYNDROME; ATAXIA-TELANGIECTASIA, COMPLEMENTATION GROUP A. Identifiers: Orphanet 100, MedGen C0004135, MONDO:0008840, OMIM 208900.

Submission:

Labcorp Genetics (formerly Invitae), Labcorp
Classification: Pathogenic for Ataxia-telangiectasia syndrome. Last evaluated: 2023-11-08. Review status: criteria provided, single submitter. Criteria: Invitae Variant Classification Sherloc (09022015). Collection method: clinical testing. Allele origin: germline.
Comment: This sequence change creates a premature translational stop signal (p.Gln1879Hisfs*24) in the ATM gene. It is expected to result in an absent or disrupted protein product. Loss-of-function variants in ATM are known to be pathogenic (PMID: 23807571, 25614872). This variant is not present in population databases (gnomAD no frequency). This variant has not been reported in the literature in individuals affected with ATM-related conditions. For these reasons, this variant has been classified as Pathogenic.

Literature cited by the submitters: PubMed 23807571; PubMed 25614872.